The following is an entry in ClinVar:

ClinVar aggregate classification (germline): Uncertain significance (1 of 4 stars; one submission).

Submission:

Labcorp Genetics (formerly Invitae), Labcorp
Classification: Uncertain significance. Last evaluated: 2024-02-20. Review status: criteria provided, single submitter. Criteria: Invitae Variant Classification Sherloc (09022015). Collection method: clinical testing. Allele origin: germline.
Comment: This sequence change replaces tryptophan, which is neutral and slightly polar, with serine, which is neutral and polar, at codon 1393 of the SNRNP200 protein (p.Trp1393Ser). This variant is not present in population databases (gnomAD no frequency). This variant has not been reported in the literature in individuals affected with SNRNP200-related conditions. ClinVar contains an entry for this variant (Variation ID: 1513203). Advanced modeling of protein sequence and biophysical properties (such as structural, functional, and spatial information, amino acid conservation, physicochemical variation, residue mobility, and thermodynamic stability) performed at Invitae indicates that this missense variant is expected to disrupt SNRNP200 protein function with a positive predictive value of 80%. In summary, the available evidence is currently insufficient to determine the role of this variant in disease. Therefore, it has been classified as a Variant of Uncertain Significance.

NM_014014.5(SNRNP200):c.4178G>C (p.Trp1393Ser)

Gene: SNRNP200 (small nuclear ribonucleoprotein U5 subunit 200; minus strand). Cytogenetic location: 2q11.2.
Variant type: single nucleotide variant.
Coding change: c.4178G>C on transcript NM_014014.5 (MANE Select); coding-DNA position 4178, G replaced by C.
Protein change: p.Trp1393Ser; replaces tryptophan 1393 with serine.
Molecular consequence: missense variant.
Genome position (GRCh38, 1-based): chr2:96,284,572, C>G on the plus strand (G>C on the coding strand, the complement: SNRNP200 is on the minus strand). VCF-style: chr2-96284572-C-G. GRCh37 (hg19) VCF-style: chr2-96950310-C-G.
Other names: short protein forms W1393S.
Identifiers: ClinVar variation 1513203 (VCV001513203.8), dbSNP rs2104341245, ClinGen allele CA347668435.